The following is an entry in ClinVar:

NM_000143.4(FH):c.1463A>T (p.Glu488Val)

Gene: FH (fumarate hydratase; minus strand). Cytogenetic location: 1q43.
Variant type: single nucleotide variant.
Coding change: c.1463A>T on transcript NM_000143.4 (MANE Select); coding-DNA position 1463, A replaced by T.
Protein change: p.Glu488Val; replaces glutamic acid 488 with valine.
Molecular consequence: missense variant.
Genome position (GRCh38, 1-based): chr1:241,497,898, T>A on the plus strand (A>T on the coding strand, the complement: FH is on the minus strand). VCF-style: chr1-241497898-T-A. GRCh37 (hg19) VCF-style: chr1-241661198-T-A.
Other names: short protein forms E488V.
Identifiers: ClinVar variation 2029949 (VCV002029949.4), dbSNP rs2527308434, ClinGen allele CA345450539.
Genomic context (GRCh38, chr1:241,497,898, plus strand): 5'-CCCAGCATGTCCTTAGGTTTTACCCATTCGTCAAACTGCTCTGCTGTGAGATAGCCAAGT[T>A]CGATAGCAGTTTCCTTTAAGGTTGATCCATTTTTGTGTGCTGTCTTAGCAATCTTTGCTG-3'
Protein context (NP_000134.2, residues 478-498): NGSTLKETAI[Glu488Val]LGYLTAEQFD

ClinVar aggregate classification (germline): Uncertain significance (1 of 4 stars; one submission).

Submission:

Labcorp Genetics (formerly Invitae), Labcorp
Classification: Uncertain significance. Last evaluated: 2022-09-10. Review status: criteria provided, single submitter. Criteria: Invitae Variant Classification Sherloc (09022015). Collection method: clinical testing. Allele origin: germline.
Comment: Advanced modeling of protein sequence and biophysical properties (such as structural, functional, and spatial information, amino acid conservation, physicochemical variation, residue mobility, and thermodynamic stability) has been performed at Invitae for this missense variant, however the output from this modeling did not meet the statistical confidence thresholds required to predict the impact of this variant on FH protein function. In summary, the available evidence is currently insufficient to determine the role of this variant in disease. Therefore, it has been classified as a Variant of Uncertain Significance. This variant has not been reported in the literature in individuals affected with FH-related conditions. This sequence change replaces glutamic acid, which is acidic and polar, with valine, which is neutral and non-polar, at codon 488 of the FH protein (p.Glu488Val). This variant is not present in population databases (gnomAD no frequency).